The following is an entry in ClinVar:

NM_005732.4(RAD50):c.3742G>A (p.Ala1248Thr)

Genes: TH2LCRR (T helper type 2 locus control region associated RNA; minus strand), TH2-LCR (Th2 cytokine locus control region; plus strand), RAD50 (RAD50 double strand break repair protein; plus strand). Cytogenetic location: 5q31.1.
Variant type: single nucleotide variant.
Coding change: c.3742G>A on transcript NM_005732.4 (MANE Select); coding-DNA position 3742, G replaced by A.
Protein change: p.Ala1248Thr; replaces alanine 1248 with threonine.
Molecular consequence: missense variant.
Genome position (GRCh38, 1-based): chr5:132,640,795, G>A. VCF-style: chr5-132640795-G-A. GRCh37 (hg19) VCF-style: chr5-131976487-G-A.
Other names: short protein forms A1248T.
Identifiers: ClinVar variation 824150 (VCV000824150.16), dbSNP rs1581023861, ClinGen allele CA360935002.

ClinVar aggregate classification (germline): Uncertain significance. Review status: criteria provided, multiple submitters, no conflicts (2 of 4 stars). 2 submissions from 2 submitters: Uncertain significance (2). Last evaluated 2023-06-14.

Conditions:
Hereditary cancer-predisposing syndrome. Also called: Neoplastic Syndromes, Hereditary; Tumor predisposition; Hereditary neoplastic syndrome; Hereditary Cancer Syndrome. Identifiers: Orphanet 140162, MedGen C0027672, MeSH D009386, MONDO:0015356.

Allele frequency attached by ClinVar (database versions not stated): gnomAD exomes below 0.00001.
gnomAD v4.1: 2 of 1,613,232 alleles (0.00012%); highest among the groups gnomAD compares: South Asian, 0.0022%; no homozygotes.

Submissions (2):

Ambry Genetics
Classification: Uncertain significance for Hereditary cancer-predisposing syndrome. Last evaluated: 2023-06-14. Review status: criteria provided, single submitter. Criteria: Ambry Variant Classification Scheme 2023. Collection method: clinical testing. Allele origin: germline.
Comment: The p.A1248T variant (also known as c.3742G>A), located in coding exon 24 of the RAD50 gene, results from a G to A substitution at nucleotide position 3742. The alanine at codon 1248 is replaced by threonine, an amino acid with similar properties. This amino acid position is highly conserved in available vertebrate species. In addition, this alteration is predicted to be tolerated by in silico analysis. Since supporting evidence is limited at this time, the clinical significance of this alteration remains unclear.

Labcorp Genetics (formerly Invitae), Labcorp
Classification: Uncertain significance for Hereditary cancer-predisposing syndrome. Last evaluated: 2019-12-27. Review status: criteria provided, single submitter. Criteria: Invitae Variant Classification Sherloc (09022015). Collection method: clinical testing. Allele origin: germline.
Comment: In summary, the available evidence is currently insufficient to determine the role of this variant in disease. Therefore, it has been classified as a Variant of Uncertain Significance. Algorithms developed to predict the effect of missense changes on protein structure and function are either unavailable or do not agree on the potential impact of this missense change (SIFT: "Tolerated"; PolyPhen-2: "Probably Damaging"; Align-GVGD: "Class C0"). This variant has not been reported in the literature in individuals with RAD50-related conditions. This variant is not present in population databases (ExAC no frequency). This sequence change replaces alanine with threonine at codon 1248 of the RAD50 protein (p.Ala1248Thr). The alanine residue is moderately conserved and there is a small physicochemical difference between alanine and threonine.